The following is an entry in ClinVar:

NM_002471.4(MYH6):c.820del (p.Arg273_Val274insTer)

Gene: MYH6 (myosin heavy chain 6; minus strand). Cytogenetic location: 14q11.2.
Variant type: Deletion.
Coding change: c.820del on transcript NM_002471.4 (MANE Select); coding-DNA position 820, one base deleted (G; older notation c.820delG).
Protein change: p.Arg273_Val274insTer.
Molecular consequence: nonsense.
Genome position (GRCh38, 1-based): chr14:23,403,426, C deleted on the plus strand (G on the coding strand, the reverse complement: MYH6 is on the minus strand); the first of 3 consecutive C bases (chr14:23,403,426-23,403,428); deleting any one gives the same sequence. VCF-style (leftmost placement, unchanged base first): chr14-23403425-AC-A. GRCh37 (hg19) VCF-style: chr14-23872634-AC-A.
Identifiers: ClinVar variation 1174888 (VCV001174888.7), dbSNP rs2138616823, ClinGen allele CA2499222581.

ClinVar aggregate classification (germline): Uncertain significance. Review status: criteria provided, single submitter (1 of 4 stars). 3 submissions from 3 submitters: Uncertain significance (1). 2 of the submissions do not count toward it. Last evaluated 2024-12-23.

Submissions (3):

Dasa
Classification: Uncertain significance. Last evaluated: 2024-12-23. Review status: criteria provided, single submitter. Criteria: DASA Assertion Criteria. Collection method: clinical testing. Allele origin: germline.
Comment: NM_002471.4(MYH6):c.820del (p.Val274*) is a frameshift variant in MYH6 predicted to alter the reading frame and introduce a premature termination codon. This variant is rare in population databases. The currently available literature and clinical evidence are not sufficient to establish a definitive association between this variant and the reported condition. Therefore, this variant is classified as a variant of uncertain significance.

Diagnostic Laboratory, Department of Genetics, University Medical Center Groningen
Classification: Uncertain significance. Review status: no assertion criteria provided. Collection method: clinical testing. Allele origin: germline. Affected: yes. Study: VKGL Data-share Consensus. Not counted in ClinVar's aggregate classification.

Joint Genome Diagnostic Labs from Nijmegen and Maastricht, Radboudumc and MUMC+
Classification: Uncertain significance. Review status: no assertion criteria provided. Collection method: clinical testing. Allele origin: germline. Affected: yes. Study: VKGL Data-share Consensus. Not counted in ClinVar's aggregate classification.